The following is an entry in ClinVar:

ClinVar aggregate classification (germline): Likely benign (1 of 4 stars; one submission).

Conditions:
SCYL1-related disorder. Also called: SCYL1-related condition.

Submission:

PreventionGenetics, part of Exact Sciences
Classification: Likely benign for SCYL1-related condition. Last evaluated: 2026-09-18. Review status: criteria provided, single submitter. Criteria: ACMG Guidelines, 2015. Collection method: clinical testing. Allele origin: germline.
Comment: This variant is classified as likely benign based on ACMG/AMP sequence variant interpretation guidelines (Richards et al. 2015 PMID: 25741868, with internal and published modifications).

NM_020680.4(SCYL1):c.849+5del

Gene: SCYL1 (SCY1 like pseudokinase 1; plus strand). Cytogenetic location: 11q13.1.
Variant type: Deletion.
Coding change: c.849+5del on transcript NM_020680.4 (MANE Select); 5 bases into the intron after coding-DNA position 849, one base deleted (G; older notation c.849+5delG).
Molecular consequence: intron variant.
Genome position (GRCh38, 1-based): chr11:65,527,122, G deleted. VCF-style (leftmost placement, unchanged base first): chr11-65527121-AG-A. GRCh37 (hg19) VCF-style: chr11-65294592-AG-A.
Other names: c.420+5del (NM_001425203.1, NM_001425207.1, NM_001425204.1 and 2 more transcripts); c.594+5del (NM_001425199.1); c.849+5del (NM_001425196.1, NM_001425188.1, NM_001425185.1 and 18 more transcripts); c.765+5del (NM_001425189.1); c.585+5del (NM_001425200.1); c.237+5del (NM_001425208.1, NM_001425211.1, NM_001425209.1 and 1 more transcripts); c.846+5del (NM_001425180.1, NM_001425183.1).
Identifiers: ClinVar variation 4977529 (VCV004977529.1).